The following is an entry in ClinVar:

NM_003500.4(ACOX2):c.410A>C (p.Lys137Thr)

Gene: ACOX2 (acyl-CoA oxidase 2; minus strand). Cytogenetic location: 3p14.3.
Variant type: single nucleotide variant.
Coding change: c.410A>C on transcript NM_003500.4 (MANE Select); coding-DNA position 410, A replaced by C.
Protein change: p.Lys137Thr; replaces lysine 137 with threonine.
Molecular consequence: missense variant.
Genome position (GRCh38, 1-based): chr3:58,534,059, T>G on the plus strand (A>C on the coding strand, the complement: ACOX2 is on the minus strand). VCF-style: chr3-58534059-T-G. GRCh37 (hg19) VCF-style: chr3-58519786-T-G.
Other names: short protein forms K137T.
Identifiers: ClinVar variation 4694148 (VCV004694148.1).
Genomic context (GRCh38, chr3:58,534,059, plus strand): 5'-CCCAACTCTGTCTGTGCATACGTTGCGATGATCTGGATGTTTTTGCAGAGTGGGTCCCAT[T>G]TGGCAATCTGCTCCTCTGAGCCCAGGCTCCTGAGGGCTCTCACGAAGACTCTGTGTATAT-3'
Protein context (NP_003491.1, residues 127-147): RSLGSEEQIA[Lys137Thr]WDPLCKNIQI

ClinVar aggregate classification (germline): Uncertain significance (1 of 4 stars; one submission).

gnomAD v4.1: 3 of 1,614,178 alleles (0.00019%); highest among the groups gnomAD compares: Admixed American, 0.005%; no homozygotes.

Submission:

Labcorp Genetics (formerly Invitae), Labcorp
Classification: Uncertain significance. Last evaluated: 2025-04-11. Review status: criteria provided, single submitter. Criteria: Invitae Variant Classification Sherloc (09022015). Collection method: clinical testing. Allele origin: germline.
Comment: This sequence change replaces lysine, which is basic and polar, with threonine, which is neutral and polar, at codon 137 of the ACOX2 protein (p.Lys137Thr). This variant is present in population databases (no rsID available, gnomAD 0.006%). This variant has not been reported in the literature in individuals affected with ACOX2-related conditions. Invitae Evidence Modeling of protein sequence and biophysical properties (such as structural, functional, and spatial information, amino acid conservation, physicochemical variation, residue mobility, and thermodynamic stability) indicates that this missense variant is not expected to disrupt ACOX2 protein function with a negative predictive value of 80%. In summary, the available evidence is currently insufficient to determine the role of this variant in disease. Therefore, it has been classified as a Variant of Uncertain Significance.